The following is an entry in ClinVar:

ClinVar aggregate classification (germline): Uncertain significance (1 of 4 stars; one submission).

Conditions:
Hereditary cancer-predisposing syndrome. Also called: Neoplastic Syndromes, Hereditary; Hereditary Cancer Syndrome; Hereditary neoplastic syndrome; Tumor predisposition. Identifiers: Orphanet 140162, MedGen C0027672, MeSH D009386, MONDO:0015356.

Submission:

Ambry Genetics
Classification: Uncertain significance for Hereditary cancer-predisposing syndrome. Last evaluated: 2023-04-17. Review status: criteria provided, single submitter. Criteria: Ambry Variant Classification Scheme 2023. Collection method: clinical testing. Allele origin: germline.
Comment: The p.F110V variant (also known as c.328T>G), located in coding exon 1 of the AXIN2 gene, results from a T to G substitution at nucleotide position 328. The phenylalanine at codon 110 is replaced by valine, an amino acid with highly similar properties. This amino acid position is highly conserved in available vertebrate species. In addition, this alteration is predicted to be deleterious by in silico analysis. Since supporting evidence is limited at this time, the clinical significance of this alteration remains unclear.

NM_004655.4(AXIN2):c.328T>G (p.Phe110Val)

Gene: AXIN2 (axin 2; minus strand). Cytogenetic location: 17q24.1.
Variant type: single nucleotide variant.
Coding change: c.328T>G on transcript NM_004655.4 (MANE Select); coding-DNA position 328, T replaced by G.
Protein change: p.Phe110Val; replaces phenylalanine 110 with valine.
Molecular consequence: missense variant.
Genome position (GRCh38, 1-based): chr17:65,558,293, A>C on the plus strand (T>G on the coding strand, the complement: AXIN2 is on the minus strand). VCF-style: chr17-65558293-A-C. GRCh37 (hg19) VCF-style: chr17-63554411-A-C.
Other names: c.328T>G, p.Phe110Val (NM_001363813.1); short protein forms F110V.
Identifiers: ClinVar variation 2566108 (VCV002566108.2), dbSNP rs2544252233, ClinGen allele CA400681643.
Genomic context (GRCh38, chr17:65,558,293, plus strand): 5'-CTCGTAAAGTTTTGGTATCCTTCAGGTTCATCTGCCTGAATCCATTGCAGGCAAACCAGA[A>C]GTCTAAGGTATCCACGCATTTCTCCCTCTCCAGGAAAGTTCGGAACAGGTAAGCACCGTC-3'
Protein context (NP_004646.3, residues 100-120): EREKCVDTLD[Phe110Val]WFACNGFRQM